The following is an entry in ClinVar:

NM_001037333.3(CYFIP2):c.3143G>T (p.Arg1048Leu)

Genes: CYFIP2 (cytoplasmic FMR1 interacting protein 2; plus strand), NIPAL4-DT (NIPAL4 divergent transcript; minus strand). Cytogenetic location: 5q33.3.
Variant type: single nucleotide variant.
Coding change: c.3143G>T on transcript NM_001037333.3 (MANE Select); coding-DNA position 3143, G replaced by T.
Protein change: p.Arg1048Leu; replaces arginine 1048 with leucine.
Molecular consequence: missense variant.
Genome position (GRCh38, 1-based): chr5:157,383,295, G>T. VCF-style: chr5-157383295-G-T. GRCh37 (hg19) VCF-style: chr5-156810303-G-T.
Other names: c.3065G>T, p.Arg1022Leu (NM_001291721.2); c.3218G>T, p.Arg1073Leu (NM_001291722.2); c.3143G>T, p.Arg1048Leu (NM_014376.4); short protein forms R1022L, R1048L, R1073L.
Identifiers: ClinVar variation 4975111 (VCV004975111.1).
Genomic context (GRCh38, chr5:157,383,295, plus strand): 5'-TCATTTTCTGCTCTGCGACTCCTTTTGCAGAGGGGGAGCGCCTGGAGGTCCGGATGAAAC[G>T]TCTGGAAGCCAAGTATGCCCCGCTCCACCTGGTCCCTCTGATCGAGCGGCTGGGGACCCC-3'
Protein context (NP_001032410.1, residues 1038-1058): EGERLEVRMK[Arg1048Leu]LEAKYAPLHL

ClinVar aggregate classification (germline): Uncertain significance (1 of 4 stars; one submission).

gnomAD v4.1: 1 of 1,613,870 alleles (0.000062%); highest among the groups gnomAD compares: Non-Finnish European, 0.000085%; no homozygotes.

Submission:

GeneDx
Classification: Uncertain significance. Last evaluated: 2026-03-16. Review status: criteria provided, single submitter. Criteria: GeneDx Variant Classification Process June 2021. Collection method: clinical testing. Allele origin: germline.
Comment: Not observed at significant frequency in large population cohorts (gnomAD); In silico analysis supports that this missense variant has a deleterious effect on protein structure/function; Has not been previously published as pathogenic or benign to our knowledge